The following is an entry in ClinVar:

NM_005993.5(TBCD):c.1318+16692C>T

Genes: TBCD (tubulin folding cofactor D), ZNF750 (zinc finger protein 750; minus strand). Cytogenetic location: 17q25.3.
Variant type: single nucleotide variant.
Coding change: c.1318+16692C>T on transcript NM_005993.5 (MANE Select); 16692 bases into the intron after coding-DNA position 1318, C replaced by T.
Molecular consequence: intron variant. On other transcripts: missense variant (1).
Genome position (GRCh38, 1-based): chr17:82,831,626, C>T. VCF-style: chr17-82831626-C-T. GRCh37 (hg19) VCF-style: chr17-80789502-C-T.
Other names: NC_000017.10:g.80789502C>T; c.829G>A, p.Gly277Arg (NM_024702.3); c.1318+16692C>T (NM_001411102.1); c.1267+16692C>T (NM_001411101.1); short protein forms G277R.
Identifiers: ClinVar variation 773594 (VCV000773594.29), dbSNP rs35283702, ClinGen allele CA8862348.
Genomic context (GRCh38, chr17:82,831,626, plus strand): 5'-GAGCCAGGTGCTTAGGGATCGGCCCCGGGTGAGGCAGGAAGTGTCTCGGGTCTTGGGTTC[C>T]GTAGACTGACAGCAGGGGTGCGTCACACTCAGGCGAGCTCCCAGCCAGCAGGTAAGGCGA-3'

ClinVar aggregate classification (germline): Benign/Likely benign. Review status: criteria provided, multiple submitters, no conflicts (2 of 4 stars). 2 submissions from 2 submitters: Benign (1); Likely benign (1). Last evaluated 2026-03-01.

Allele frequency attached by ClinVar (database versions not stated): 1000 Genomes Project 30x 0.00281; 1000 Genomes Project 0.00339; TOPMed 0.00383; ESP Exome Variant Server 0.00384; gnomAD 0.00424 and 0.00436; gnomAD exomes 0.00499 and 0.00718; ExAC 0.00602.
gnomAD v4.1: 11,057 of 1,614,036 alleles (0.69%); highest among the groups gnomAD compares: Non-Finnish European, 0.86%; 61 homozygotes.

Submissions (6):

CeGaT Center for Human Genetics Tuebingen
Classification: Likely benign. Last evaluated: 2026-03-01. Review status: criteria provided, single submitter. Criteria: CeGaT Center For Human Genetics Tuebingen Variant Classification Criteria Version 2. Collection method: clinical testing. Allele origin: germline. Affected: yes. Observed: 9 variant alleles.
Comment: TBCD: BS2; ZNF750: BS2

Labcorp Genetics (formerly Invitae), Labcorp
Classification: Benign. Last evaluated: 2019-12-31. Review status: criteria provided, single submitter. Criteria: Invitae Variant Classification Sherloc (09022015). Collection method: clinical testing. Allele origin: germline.

Dr. Peter K. Rogan Lab, Western University
No classification provided (evidence only). Condition: Clear cell carcinoma of kidney. Review status: no classification provided. Collection method: in vitro. Allele origin: not applicable. Functional consequence: retained intron. Not counted in ClinVar's aggregate classification.

Dr. Peter K. Rogan Lab, Western University
No classification provided (evidence only). Condition: Lung cancer. Review status: no classification provided. Collection method: in vitro. Allele origin: not applicable. Functional consequence: retained intron. Not counted in ClinVar's aggregate classification.

Dr. Peter K. Rogan Lab, Western University
No classification provided (evidence only). Condition: Familial cancer of breast. Review status: no classification provided. Collection method: in vitro. Allele origin: not applicable. Functional consequence: retained intron. Not counted in ClinVar's aggregate classification.

Dr. Peter K. Rogan Lab, Western University
No classification provided (evidence only). Condition: Colon adenocarcinoma. Review status: no classification provided. Collection method: in vitro. Allele origin: not applicable. Functional consequence: retained intron. Not counted in ClinVar's aggregate classification.